The following is an entry in ClinVar:

ClinVar aggregate classification (germline): Uncertain significance (1 of 4 stars; one submission).

Conditions:
Joubert syndrome. Also called: CEREBELLOPARENCHYMAL DISORDER IV; JOUBERT-BOLTSHAUSER SYNDROME; Familial aplasia of the vermis. Identifiers: Orphanet 475, MedGen C5979921, MONDO:0018772.
Nephronophthisis. Also called: Juvenile Nephronophthisis. Identifiers: Orphanet 655, MedGen C0687120, MONDO:0019005, HP:0000090.
Meckel-Gruber syndrome. Also called: DYSENCEPHALIA SPLANCHNOCYSTICA; GRUBER SYNDROME; Dysencephalia splachnocystica. Identifiers: Orphanet 564, MedGen C0265215, MONDO:0018921.

Submission:

Labcorp Genetics (formerly Invitae), Labcorp
Classification: Uncertain significance for Joubert syndrome; Meckel-Gruber syndrome; Nephronophthisis. Last evaluated: 2022-06-01. Review status: criteria provided, single submitter. Criteria: Invitae Variant Classification Sherloc (09022015). Collection method: clinical testing. Allele origin: germline.
Comment: This sequence change replaces glycine, which is neutral and non-polar, with glutamic acid, which is acidic and polar, at codon 586 of the CEP290 protein (p.Gly586Glu). Algorithms developed to predict the effect of missense changes on protein structure and function output the following: SIFT: "Tolerated"; PolyPhen-2: "Benign"; Align-GVGD: "Class C0". The glutamic acid amino acid residue is found in multiple mammalian species, which suggests that this missense change does not adversely affect protein function. This variant has not been reported in the literature in individuals affected with CEP290-related conditions. This variant is not present in population databases (gnomAD no frequency). In summary, the available evidence is currently insufficient to determine the role of this variant in disease. Therefore, it has been classified as a Variant of Uncertain Significance. Algorithms developed to predict the effect of sequence changes on RNA splicing suggest that this variant may create or strengthen a splice site.

NM_025114.4(CEP290):c.1757G>A (p.Gly586Glu)

Gene: CEP290 (centrosomal protein 290; minus strand). Cytogenetic location: 12q21.32.
Variant type: single nucleotide variant.
Coding change: c.1757G>A on transcript NM_025114.4 (MANE Select); coding-DNA position 1757, G replaced by A.
Protein change: p.Gly586Glu; replaces glycine 586 with glutamic acid.
Molecular consequence: missense variant.
Genome position (GRCh38, 1-based): chr12:88,117,100, C>T on the plus strand (G>A on the coding strand, the complement: CEP290 is on the minus strand). VCF-style: chr12-88117100-C-T. GRCh37 (hg19) VCF-style: chr12-88510877-C-T.
Other names: short protein forms G586E.
Identifiers: ClinVar variation 2420446 (VCV002420446.8), dbSNP rs2039099676, ClinGen allele CA385978244.